The following is an entry in ClinVar:

NM_001130438.3(SPTAN1):c.1451G>A (p.Ser484Asn)

Gene: SPTAN1 (spectrin alpha, non-erythrocytic 1; plus strand). Cytogenetic location: 9q34.11.
Variant type: single nucleotide variant.
Coding change: c.1451G>A on transcript NM_001130438.3 (MANE Select); coding-DNA position 1451, G replaced by A.
Protein change: p.Ser484Asn; replaces serine 484 with asparagine.
Molecular consequence: missense variant.
Genome position (GRCh38, 1-based): chr9:128,581,049, G>A. VCF-style: chr9-128581049-G-A. GRCh37 (hg19) VCF-style: chr9-131343328-G-A.
Other names: c.1451G>A, p.Ser484Asn (NM_001375311.2, NM_001375313.1, NM_001375314.2 and 5 more transcripts); c.1487G>A, p.Ser496Asn (NM_001375312.2, NM_001375318.1); short protein forms S484N, S496N.
Identifiers: ClinVar variation 941762 (VCV000941762.10), dbSNP rs1851879535, ClinGen allele CA375053857.

ClinVar aggregate classification (germline): Uncertain significance (1 of 4 stars; one submission).

Conditions:
Early-infantile DEE. Also called: Early infantile epileptic encephalopathy; Ohtahara syndrome; Early infantile epileptic encephalopathy with suppression bursts. Identifiers: Orphanet 1934, MedGen C0393706, MONDO:0800491.

gnomAD v4.1: 1 of 1,614,058 alleles (0.000062%); highest among the groups gnomAD compares: Non-Finnish European, 0.000085%; no homozygotes.

Submission:

Labcorp Genetics (formerly Invitae), Labcorp
Classification: Uncertain significance for Early-infantile DEE. Last evaluated: 2024-04-12. Review status: criteria provided, single submitter. Criteria: Invitae Variant Classification Sherloc (09022015). Collection method: clinical testing. Allele origin: germline.
Comment: This sequence change replaces serine, which is neutral and polar, with asparagine, which is neutral and polar, at codon 484 of the SPTAN1 protein (p.Ser484Asn). This variant is not present in population databases (gnomAD no frequency). This variant has not been reported in the literature in individuals affected with SPTAN1-related conditions. ClinVar contains an entry for this variant (Variation ID: 941762). Advanced modeling of protein sequence and biophysical properties (such as structural, functional, and spatial information, amino acid conservation, physicochemical variation, residue mobility, and thermodynamic stability) has been performed at Invitae for this missense variant, however the output from this modeling did not meet the statistical confidence thresholds required to predict the impact of this variant on SPTAN1 protein function. In summary, the available evidence is currently insufficient to determine the role of this variant in disease. Therefore, it has been classified as a Variant of Uncertain Significance.